The following is an entry in ClinVar:

ClinVar aggregate classification (germline): Pathogenic (1 of 4 stars; one submission).

Submission:

Labcorp Genetics (formerly Invitae), Labcorp
Classification: Pathogenic. Last evaluated: 2025-05-05. Review status: criteria provided, single submitter. Criteria: Invitae Variant Classification Sherloc (09022015). Collection method: clinical testing. Allele origin: germline.
Comment: This sequence change creates a premature translational stop signal (p.His197Thrfs*34) in the ACAN gene. It is expected to result in an absent or disrupted protein product. Loss-of-function variants in ACAN are known to be pathogenic (PMID: 16080123, 24762113). This variant is not present in population databases (gnomAD no frequency). This variant has not been reported in the literature in individuals affected with ACAN-related conditions. ClinVar contains an entry for this variant (Variation ID: 2110819). For these reasons, this variant has been classified as Pathogenic.

Literature cited by the submitters: PubMed 16080123; PubMed 24762113.

NM_001369268.1(ACAN):c.589del (p.His197fs)

Gene: ACAN (aggrecan; plus strand). Cytogenetic location: 15q26.1.
Variant type: Deletion.
Coding change: c.589del on transcript NM_001369268.1 (MANE Select); coding-DNA position 589, one base deleted (C; older notation c.589delC).
Protein change: p.His197fs; shifts the reading frame from histidine 197.
Molecular consequence: frameshift variant.
Genome position (GRCh38, 1-based): chr15:88,840,146, C deleted; the last of 2 consecutive C bases (chr15:88,840,145-88,840,146); deleting either gives the same sequence. VCF-style (leftmost placement, unchanged base first): chr15-88840144-TC-T. GRCh37 (hg19) VCF-style: chr15-89383375-TC-T.
Other names: c.589del, p.His197fs (NM_001135.4, NM_013227.4); c.589delC, p.His197Thrfs (NM_001411096.1, NM_001411097.1); short protein forms H197fs.
Identifiers: ClinVar variation 2110819 (VCV002110819.4), dbSNP rs2505231171, ClinGen allele CA2580090140.